The following is an entry in ClinVar:

ClinVar aggregate classification (germline): Uncertain significance (1 of 4 stars; one submission).

Conditions:
Cardiovascular phenotype. Identifiers: MedGen CN230736.

Submission:

Ambry Genetics
Classification: Uncertain significance for Cardiovascular phenotype. Last evaluated: 2026-04-30. Review status: criteria provided, single submitter. Criteria: Ambry Variant Classification Scheme 2023. Collection method: clinical testing. Allele origin: germline.
Comment: The p.P631S variant (also known as c.1891C>T), located in coding exon 7 of the KCND3 gene, results from a C to T substitution at nucleotide position 1891. The proline at codon 631 is replaced by serine, an amino acid with similar properties. This amino acid position is conserved. In addition, the in silico prediction for this alteration is inconclusive. Based on the available evidence, the clinical significance of this variant remains unclear.

NM_001378969.1(KCND3):c.1891C>T (p.Pro631Ser)

Gene: KCND3 (potassium voltage-gated channel subfamily D member 3; minus strand). Cytogenetic location: 1p13.2.
Variant type: single nucleotide variant.
Coding change: c.1891C>T on transcript NM_001378969.1 (MANE Select); coding-DNA position 1891, C replaced by T.
Protein change: p.Pro631Ser; replaces proline 631 with serine.
Molecular consequence: missense variant.
Genome position (GRCh38, 1-based): chr1:111,776,154, G>A on the plus strand (C>T on the coding strand, the complement: KCND3 is on the minus strand). VCF-style: chr1-111776154-G-A. GRCh37 (hg19) VCF-style: chr1-112318776-G-A.
Other names: c.1834C>T, p.Pro612Ser (NM_001378970.1, NM_172198.3); c.1891C>T, p.Pro631Ser (NM_004980.5); short protein forms P612S, P631S.
Identifiers: ClinVar variation 4858616 (VCV004858616.1).
Genomic context (GRCh38, chr1:111,776,154, plus strand): 5'-TGACAACATTGCTGGCTATGGAAGGAATGTTCGTGTTGGGGCCTGGGCTGGCAGGGGGTG[G>A]CCGACTTTCCCCCTCTGGGGTTAGCGCTGGGGGAGTGGGGATGCTGATGATGGCTGTGGT-3'
Protein context (NP_001365898.1, residues 621-641): PALTPEGESR[Pro631Ser]PPASPGPNTN